The following is an entry in ClinVar:

ClinVar aggregate classification (germline): Likely benign. Review status: criteria provided, multiple submitters, no conflicts (2 of 4 stars). 2 submissions from 2 submitters: Likely benign (2). Last evaluated 2025-10-01.

Allele frequency attached by ClinVar (database versions not stated): ExAC 0.00023; gnomAD 0.00029; TOPMed 0.00042; ESP Exome Variant Server 0.00069.
gnomAD v4.1: 974 of 1,614,010 alleles (0.06%); highest among the groups gnomAD compares: Non-Finnish European, 0.078%; 1 homozygote.

Submissions (2):

CeGaT Center for Human Genetics Tuebingen
Classification: Likely benign. Last evaluated: 2025-10-01. Review status: criteria provided, single submitter. Criteria: CeGaT Center For Human Genetics Tuebingen Variant Classification Criteria Version 2. Collection method: clinical testing. Allele origin: germline. Affected: yes. Observed: 2 variant alleles.
Comment: PLD1: BP4, BP7

Labcorp Genetics (formerly Invitae), Labcorp
Classification: Likely benign. Last evaluated: 2025-01-18. Review status: criteria provided, single submitter. Criteria: Invitae Variant Classification Sherloc (09022015). Collection method: clinical testing. Allele origin: germline.

NM_002662.5(PLD1):c.1716C>T (p.His572=)

Gene: PLD1 (phospholipase D1; minus strand). Cytogenetic location: 3q26.31.
Variant type: single nucleotide variant.
Coding change: c.1716C>T on transcript NM_002662.5 (MANE Select); coding-DNA position 1716, C replaced by T.
Protein change: p.His572=; no amino-acid change (histidine 572 retained).
Molecular consequence: synonymous variant.
Genome position (GRCh38, 1-based): chr3:171,687,408, G>A on the plus strand (C>T on the coding strand, the complement: PLD1 is on the minus strand). VCF-style: chr3-171687408-G-A. GRCh37 (hg19) VCF-style: chr3-171405198-G-A.
Other names: c.1716C>T, p.His572= (NM_001130081.3).
Identifiers: ClinVar variation 733137 (VCV000733137.36), dbSNP rs146264662, ClinGen allele CA2704531.